The following is an entry in ClinVar:

NM_000545.8(HNF1A):c.710dup (p.Asn237fs)

Gene: HNF1A (HNF1 homeobox A; plus strand). Cytogenetic location: 12q24.31.
Variant type: Duplication.
Coding change: c.710dup on transcript NM_000545.8 (MANE Select); coding-DNA position 710, one base duplicated (A; older notation c.710dupA).
Protein change: p.Asn237fs; shifts the reading frame from asparagine 237.
Molecular consequence: frameshift variant.
Genome position (GRCh38, 1-based): chr12:120,993,703, A duplicated; the last of 2 consecutive A bases (chr12:120,993,702-120,993,703); duplicating either gives the same sequence. VCF-style (leftmost placement, unchanged base first): chr12-120993701-C-CA. GRCh37 (hg19) VCF-style: chr12-121431504-C-CA.
Other names: c.710dup, p.Asn237fs (NM_001306179.2); c.710dup, p.Asn237Lysfs (NM_001406915.1); short protein forms N237fs.
Identifiers: ClinVar variation 1807436 (VCV001807436.1), dbSNP rs2499995799, ClinGen allele CA645587993.
Genomic context (GRCh38, chr12:120,993,701, plus strand): 5'-GGCCTATGAGAGGCAGAAGAACCCTAGCAAGGAGGAGCGAGAGACGCTAGTGGAGGAGTG[C>CA]AATAGGTACAACGGCGGGCGGGAAACAGTGCTGGTTTGGTCTGGGCTGCGGCAAGGCCAG-3'

ClinVar aggregate classification (germline): Pathogenic (1 of 4 stars; one submission).

Submission:

Athena Diagnostics
Classification: Pathogenic. Last evaluated: 2021-07-19. Review status: criteria provided, single submitter. Criteria: Athena Diagnostics Criteria. Collection method: clinical testing. Allele origin: unknown.
Comment: This variant is expected to result in the loss of a functional protein. This variant has not been reported in large, multi-ethnic general populations. This variant has been identified in at least one individual tested at Athena Diagnostics with clinical features associated with this gene.